The following is an entry in ClinVar:

NM_002335.4(LRP5):c.351G>A (p.Trp117Ter)

Gene: LRP5 (LDL receptor related protein 5; plus strand). Cytogenetic location: 11q13.2.
Variant type: single nucleotide variant.
Coding change: c.351G>A on transcript NM_002335.4 (MANE Select); coding-DNA position 351, G replaced by A.
Protein change: p.Trp117Ter; replaces tryptophan 117 with a stop codon.
Molecular consequence: nonsense. On other transcripts: 5 prime UTR variant (1).
Genome position (GRCh38, 1-based): chr11:68,348,106, G>A. VCF-style: chr11-68348106-G-A. GRCh37 (hg19) VCF-style: chr11-68115574-G-A.
Other names: c.-1415G>A (NM_001291902.2); short protein forms W117*.
Identifiers: ClinVar variation 4686176 (VCV004686176.1).
Genomic context (GRCh38, chr11:68,348,106, plus strand): 5'-CGCCGTGCAGAACGTGGTCATCTCCGGCCTGGTCTCTCCCGACGGCCTCGCCTGCGACTG[G>A]GTGGGCAAGAAGCTGTACTGGACGGACTCAGAGACCAACCGCATCGAGGTGGCCAACCTC-3'

ClinVar aggregate classification (germline): Pathogenic (1 of 4 stars; one submission).

gnomAD v4.1: 5 of 1,614,144 alleles (0.00031%); highest among the groups gnomAD compares: Non-Finnish European, 0.00042%; no homozygotes.

Submission:

GeneDx
Classification: Pathogenic. Last evaluated: 2025-07-18. Review status: criteria provided, single submitter. Criteria: GeneDx Variant Classification Process June 2021. Collection method: clinical testing. Allele origin: germline. Affected: yes.
Comment: Nonsense variant predicted to result in protein truncation or nonsense mediated decay in a gene for which loss of function is a known mechanism of disease; Not observed at significant frequency in large population cohorts (gnomAD); This variant is associated with the following publications: (PMID: 35993038, 34965700)